The following is an entry in ClinVar:

ClinVar aggregate classification (germline): Uncertain significance (1 of 4 stars; one submission).

gnomAD v4.1: 4 of 1,613,804 alleles (0.00025%); highest among the groups gnomAD compares: Non-Finnish European, 0.00034%; no homozygotes.

Submission:

Labcorp Genetics (formerly Invitae), Labcorp
Classification: Uncertain significance. Last evaluated: 2023-02-02. Review status: criteria provided, single submitter. Criteria: Invitae Variant Classification Sherloc (09022015). Collection method: clinical testing. Allele origin: germline.
Comment: In summary, the available evidence is currently insufficient to determine the role of this variant in disease. Therefore, it has been classified as a Variant of Uncertain Significance. Advanced modeling of protein sequence and biophysical properties (such as structural, functional, and spatial information, amino acid conservation, physicochemical variation, residue mobility, and thermodynamic stability) performed at Invitae indicates that this missense variant is not expected to disrupt TTLL5 protein function. ClinVar contains an entry for this variant (Variation ID: 1503440). This missense change has been observed in individuals with clinical features of TTLL5-related conditions (PMID: 35260635; Invitae). This variant is present in population databases (rs771482604, gnomAD 0.0009%). This sequence change replaces glycine, which is neutral and non-polar, with alanine, which is neutral and non-polar, at codon 481 of the TTLL5 protein (p.Gly481Ala).

Literature cited by the submitters: PubMed 35260635.

NM_015072.5(TTLL5):c.1442G>C (p.Gly481Ala)

Gene: TTLL5 (tubulin tyrosine ligase like 5; plus strand). Cytogenetic location: 14q24.3.
Variant type: single nucleotide variant.
Coding change: c.1442G>C on transcript NM_015072.5 (MANE Select); coding-DNA position 1442, G replaced by C.
Protein change: p.Gly481Ala; replaces glycine 481 with alanine.
Molecular consequence: missense variant.
Genome position (GRCh38, 1-based): chr14:75,745,536, G>C. VCF-style: chr14-75745536-G-C. GRCh37 (hg19) VCF-style: chr14-76211879-G-C.
Other names: short protein forms G481A.
Identifiers: ClinVar variation 1503440 (VCV001503440.8), dbSNP rs771482604, ClinGen allele CA7279392.